The following is an entry in ClinVar:

ClinVar aggregate classification (germline): Likely pathogenic (1 of 4 stars; one submission).

Submission:

Labcorp Genetics (formerly Invitae), Labcorp
Classification: Likely pathogenic. Last evaluated: 2024-04-10. Review status: criteria provided, single submitter. Criteria: Invitae Variant Classification Sherloc (09022015). Collection method: clinical testing. Allele origin: germline.
Comment: This sequence change affects a donor splice site in intron 2 of the AP1S2 gene. It is expected to disrupt RNA splicing. Variants that disrupt the donor or acceptor splice site typically lead to a loss of protein function (PMID: 16199547), and loss-of-function variants in AP1S2 are known to be pathogenic (PMID: 17186471, 17617514, 23756445). This variant is not present in population databases (gnomAD no frequency). Disruption of this splice site has been observed in individual(s) with clinical features of Pettigrew syndrome (PMID: 33644862). Algorithms developed to predict the effect of sequence changes on RNA splicing suggest that this variant may disrupt the consensus splice site. In summary, the currently available evidence indicates that the variant is pathogenic, but additional data are needed to prove that conclusively. Therefore, this variant has been classified as Likely Pathogenic.

Literature cited by the submitters: PubMed 16199547; PubMed 17186471; PubMed 17617514; PubMed 23756445; PubMed 33644862.

NM_001272071.2(AP1S2):c.179+1G>A

Gene: AP1S2 (adaptor related protein complex 1 subunit sigma 2; minus strand). Cytogenetic location: Xp22.2.
Variant type: single nucleotide variant.
Coding change: c.179+1G>A on transcript NM_001272071.2 (MANE Select); the canonical splice donor site of the intron after coding-DNA position 179, G replaced by A.
Molecular consequence: splice donor variant.
Genome position (GRCh38, 1-based): chrX:15,852,345, C>T on the plus strand (G>A on the coding strand, the complement: AP1S2 is on the minus strand). VCF-style: chrX-15852345-C-T. GRCh37 (hg19) VCF-style: chrX-15870468-C-T.
Other names: c.179+1G>A (NM_003916.5, NM_001368994.1, NM_001369007.1 and 1 more transcripts).
Identifiers: ClinVar variation 2780458 (VCV002780458.3), dbSNP rs2519929432, ClinGen allele CA412459184.